The following is an entry in ClinVar:

ClinVar aggregate classification (germline): Uncertain significance. Review status: criteria provided, multiple submitters, no conflicts (2 of 4 stars). 2 submissions from 2 submitters: Uncertain significance (2). Last evaluated 2022-05-23.

Conditions:
Autosomal dominant hypocalcemia 1 (HYPOC1). Also called: HYPOCALCEMIA, FAMILIAL. Identifiers: MedGen C3715128, MONDO:0011013, OMIM 601198.
Familial hypocalciuric hypercalcemia (FHH). Also called: Familial benign hypercalcemia. Identifiers: Orphanet 405, MedGen C1809471, MONDO:0018458.
Nephrolithiasis/nephrocalcinosis. Identifiers: MedGen CN580796.

Submissions (2):

Ambry Genetics
Classification: Uncertain significance for Nephrolithiasis/nephrocalcinosis. Last evaluated: 2022-05-23. Review status: criteria provided, single submitter. Criteria: Ambry Variant Classification Scheme 2023. Collection method: clinical testing. Allele origin: germline.
Comment: The p.L184F variant (also known as c.550C>T), located in coding exon 3 of the CASR gene, results from a C to T substitution at nucleotide position 550. The leucine at codon 184 is replaced by phenylalanine, an amino acid with highly similar properties. This amino acid position is conserved. In addition, the in silico prediction for this alteration is inconclusive. Since supporting evidence is limited at this time, the clinical significance of this alteration remains unclear.

Labcorp Genetics (formerly Invitae), Labcorp
Classification: Uncertain significance for Familial hypocalciuric hypercalcemia; Autosomal dominant hypocalcemia 1. Last evaluated: 2020-10-26. Review status: criteria provided, single submitter. Criteria: Invitae Variant Classification Sherloc (09022015). Collection method: clinical testing. Allele origin: germline.
Comment: In summary, the available evidence is currently insufficient to determine the role of this variant in disease. Therefore, it has been classified as a Variant of Uncertain Significance. Algorithms developed to predict the effect of missense changes on protein structure and function are either unavailable or do not agree on the potential impact of this missense change (SIFT: "Deleterious"; PolyPhen-2: "Benign"; Align-GVGD: "Class C0"). This variant has not been reported in the literature in individuals with CASR-related conditions. This variant is not present in population databases (ExAC no frequency). This sequence change replaces leucine with phenylalanine at codon 184 of the CASR protein (p.Leu184Phe). The leucine residue is highly conserved and there is a small physicochemical difference between leucine and phenylalanine.

NM_000388.4(CASR):c.550C>T (p.Leu184Phe)

Gene: CASR (calcium sensing receptor; plus strand). Cytogenetic location: 3q21.1.
Variant type: single nucleotide variant.
Coding change: c.550C>T on transcript NM_000388.4 (MANE Select); coding-DNA position 550, C replaced by T.
Protein change: p.Leu184Phe; replaces leucine 184 with phenylalanine.
Molecular consequence: missense variant.
Genome position (GRCh38, 1-based): chr3:122,261,585, C>T. VCF-style: chr3-122261585-C-T. GRCh37 (hg19) VCF-style: chr3-121980432-C-T.
Other names: c.550C>T, p.Leu184Phe (NM_001178065.2); short protein forms L184F.
Identifiers: ClinVar variation 1059207 (VCV001059207.11), dbSNP rs1576857982, ClinGen allele CA354150831.
Genomic context (GRCh38, chr3:122,261,585, plus strand): 5'-CAGGTCAGTTATGCCTCCTCCAGCAGACTCCTCAGCAACAAGAATCAATTCAAGTCTTTC[C>T]TCCGAACCATCCCCAATGATGAGCACCAGGCCACTGCCATGGCAGACATCATCGAGTATT-3'
Protein context (NP_000379.3, residues 174-194): LSNKNQFKSF[Leu184Phe]RTIPNDEHQA